The following is an entry in ClinVar:

NM_000094.4(COL7A1):c.3479T>C (p.Val1160Ala)

Gene: COL7A1 (collagen type VII alpha 1 chain; minus strand). Cytogenetic location: 3p21.31.
Variant type: single nucleotide variant.
Coding change: c.3479T>C on transcript NM_000094.4 (MANE Select); coding-DNA position 3479, T replaced by C.
Protein change: p.Val1160Ala; replaces valine 1160 with alanine.
Molecular consequence: missense variant.
Genome position (GRCh38, 1-based): chr3:48,586,403, A>G on the plus strand (T>C on the coding strand, the complement: COL7A1 is on the minus strand). VCF-style: chr3-48586403-A-G. GRCh37 (hg19) VCF-style: chr3-48623836-A-G.
Other names: short protein forms V1160A.
Identifiers: ClinVar variation 1019629 (VCV001019629.5), dbSNP rs2045262257, ClinGen allele CA352705198.
Genomic context (GRCh38, chr3:48,586,403, plus strand): 5'-GCCTCACGGATGGGGCTGAATATGTCACCTCTCAAGGGTTCATCCACTAGCAGAACCATC[A>G]CCCCTGGTACGTGCTGGCGGCGCCCAGGAGCATCTGGTGCCAACATGTATCTGTGAGCTG-3'
Protein context (NP_000085.1, residues 1150-1170): APGRRQHVPG[Val1160Ala]MVLLVDEPLR

ClinVar aggregate classification (germline): Uncertain significance (1 of 4 stars; one submission).

Submission:

Labcorp Genetics (formerly Invitae), Labcorp
Classification: Uncertain significance. Last evaluated: 2020-10-01. Review status: criteria provided, single submitter. Criteria: Invitae Variant Classification Sherloc (09022015). Collection method: clinical testing. Allele origin: germline.
Comment: In summary, the available evidence is currently insufficient to determine the role of this variant in disease. Therefore, it has been classified as a Variant of Uncertain Significance. Algorithms developed to predict the effect of missense changes on protein structure and function are either unavailable or do not agree on the potential impact of this missense change (SIFT: "Deleterious"; PolyPhen-2: "Not Available"; Align-GVGD: "Class C0"). This variant has not been reported in the literature in individuals with COL7A1-related conditions. This variant is not present in population databases (ExAC no frequency). This sequence change replaces valine with alanine at codon 1160 of the COL7A1 protein (p.Val1160Ala). The valine residue is moderately conserved and there is a small physicochemical difference between valine and alanine.